The following is an entry in ClinVar:

NM_004370.6(COL12A1):c.4808C>A (p.Pro1603Gln)

Gene: COL12A1 (collagen type XII alpha 1 chain; minus strand). Cytogenetic location: 6q13.
Variant type: single nucleotide variant.
Coding change: c.4808C>A on transcript NM_004370.6 (MANE Select); coding-DNA position 4808, C replaced by A.
Protein change: p.Pro1603Gln; replaces proline 1603 with glutamine.
Molecular consequence: missense variant.
Genome position (GRCh38, 1-based): chr6:75,143,271, G>T on the plus strand (C>A on the coding strand, the complement: COL12A1 is on the minus strand). VCF-style: chr6-75143271-G-T. GRCh37 (hg19) VCF-style: chr6-75852987-G-T.
Other names: c.4808C>A, p.Pro1603Gln (NM_001424113.1, NM_001424114.1); c.4535C>A, p.Pro1512Gln (NM_001424115.1); c.1316C>A, p.Pro439Gln (NM_001424116.1, NM_080645.3); short protein forms P1512Q, P439Q, P1603Q.
Identifiers: ClinVar variation 4794281 (VCV004794281.1).

ClinVar aggregate classification (germline): Uncertain significance (1 of 4 stars; one submission).

Conditions:
Ullrich congenital muscular dystrophy 2 (UCMD2). Identifiers: Orphanet 75840, MedGen C4225314, MONDO:0014654, OMIM 616470.
Bethlem myopathy 2 (BTHLM2). Identifiers: Orphanet 536516, Orphanet 610, MedGen C4225313, MONDO:0034022, OMIM 616471.

gnomAD v4.1: 1 of 1,613,656 alleles (0.000062%); highest among the groups gnomAD compares: Non-Finnish European, 0.000085%; no homozygotes.

Submission:

Labcorp Genetics (formerly Invitae), Labcorp
Classification: Uncertain significance for Bethlem myopathy 2; Ullrich congenital muscular dystrophy 2. Last evaluated: 2025-05-27. Review status: criteria provided, single submitter. Criteria: Invitae Variant Classification Sherloc (09022015). Collection method: clinical testing. Allele origin: germline.
Comment: This sequence change replaces proline, which is neutral and non-polar, with glutamine, which is neutral and polar, at codon 1603 of the COL12A1 protein (p.Pro1603Gln). This variant is not present in population databases (gnomAD no frequency). This variant has not been reported in the literature in individuals affected with COL12A1-related conditions. Invitae Evidence Modeling of protein sequence and biophysical properties (such as structural, functional, and spatial information, amino acid conservation, physicochemical variation, residue mobility, and thermodynamic stability) indicates that this missense variant is not expected to disrupt COL12A1 protein function with a negative predictive value of 80%. In summary, the available evidence is currently insufficient to determine the role of this variant in disease. Therefore, it has been classified as a Variant of Uncertain Significance.